The following is an entry in ClinVar:

NM_198525.3(KIF7):c.1139C>G (p.Ser380Cys)

Gene: KIF7 (kinesin family member 7; minus strand). Cytogenetic location: 15q26.1.
Variant type: single nucleotide variant.
Coding change: c.1139C>G on transcript NM_198525.3 (MANE Select); coding-DNA position 1139, C replaced by G.
Protein change: p.Ser380Cys; replaces serine 380 with cysteine.
Molecular consequence: missense variant.
Genome position (GRCh38, 1-based): chr15:89,648,559, G>C on the plus strand (C>G on the coding strand, the complement: KIF7 is on the minus strand). VCF-style: chr15-89648559-G-C. GRCh37 (hg19) VCF-style: chr15-90191790-G-C.
Other names: short protein forms S380C.
Identifiers: ClinVar variation 1307298 (VCV001307298.4), dbSNP rs914657562, ClinGen allele CA274582534.

ClinVar aggregate classification (germline): Uncertain significance. Review status: criteria provided, multiple submitters, no conflicts (2 of 4 stars). 2 submissions from 2 submitters: Uncertain significance (2). Last evaluated 2024-06-12.

Conditions:
Acrocallosal syndrome (ACLS). Also called: HALLUX DUPLICATION, POSTAXIAL POLYDACTYLY, AND ABSENCE OF CORPUS CALLOSUM; Schinzel syndrome 1; Absence of corpus callosum with unusual facial appearance, mental deficiency, duplication of the halluces and polydactyly. Identifiers: Orphanet 36, MedGen C0796147, MONDO:0008708, OMIM 200990.

Allele frequency attached by ClinVar (database versions not stated): TOPMed below 0.00001; gnomAD 0.00001; gnomAD exomes 0.00003.
gnomAD v4.1: 26 of 1,442,604 alleles (0.0018%); highest among the groups gnomAD compares: Non-Finnish European, 0.0023%; no homozygotes.

Submissions (2):

Labcorp Genetics (formerly Invitae), Labcorp
Classification: Uncertain significance for Acrocallosal syndrome. Last evaluated: 2024-06-12. Review status: criteria provided, single submitter. Criteria: Invitae Variant Classification Sherloc (09022015). Collection method: clinical testing. Allele origin: germline.
Comment: This sequence change replaces serine, which is neutral and polar, with cysteine, which is neutral and slightly polar, at codon 380 of the KIF7 protein (p.Ser380Cys). This variant is present in population databases (no rsID available, gnomAD 0.009%). This variant has not been reported in the literature in individuals affected with KIF7-related conditions. ClinVar contains an entry for this variant (Variation ID: 1307298). Advanced modeling of protein sequence and biophysical properties (such as structural, functional, and spatial information, amino acid conservation, physicochemical variation, residue mobility, and thermodynamic stability) has been performed at Invitae for this missense variant, however the output from this modeling did not meet the statistical confidence thresholds required to predict the impact of this variant on KIF7 protein function. In summary, the available evidence is currently insufficient to determine the role of this variant in disease. Therefore, it has been classified as a Variant of Uncertain Significance.

GeneDx
Classification: Uncertain significance. Last evaluated: 2019-07-17. Review status: criteria provided, single submitter. Criteria: GeneDx Variant Classification Process June 2021. Collection method: clinical testing. Allele origin: germline. Affected: yes.
Comment: In silico analysis, which includes protein predictors and evolutionary conservation, supports a deleterious effect; Has not been previously published as pathogenic or benign to our knowledge